The following is an entry in ClinVar:

NM_000342.4(SLC4A1):c.853G>T (p.Ala285Ser)

Gene: SLC4A1 (solute carrier family 4 member 1 (Diego blood group); minus strand). Cytogenetic location: 17q21.31.
Variant type: single nucleotide variant.
Coding change: c.853G>T on transcript NM_000342.4 (MANE Select); coding-DNA position 853, G replaced by T.
Protein change: p.Ala285Ser; replaces alanine 285 with serine.
Molecular consequence: missense variant.
Genome position (GRCh38, 1-based): chr17:44,259,186, C>A on the plus strand (G>T on the coding strand, the complement: SLC4A1 is on the minus strand). VCF-style: chr17-44259186-C-A. GRCh37 (hg19) VCF-style: chr17-42336554-C-A.
Other names: short protein forms A285S.
Identifiers: ClinVar variation 3067442 (VCV003067442.21), dbSNP rs778684107, ClinGen allele CA8600450.

ClinVar aggregate classification (germline): Uncertain significance (1 of 4 stars; one submission).

Allele frequency attached by ClinVar (database versions not stated): ExAC 0.00001; gnomAD exomes 0.00001.
gnomAD v4.1: 7 of 1,614,022 alleles (0.00043%); highest among the groups gnomAD compares: Non-Finnish European, 0.00059%; no homozygotes.

Submission:

CeGaT Center for Human Genetics Tuebingen
Classification: Uncertain significance. Last evaluated: 2024-03-01. Review status: criteria provided, single submitter. Criteria: CeGaT Center For Human Genetics Tuebingen Variant Classification Criteria Version 2. Collection method: clinical testing. Allele origin: germline. Affected: yes. Observed: 1 variant allele.
Comment: SLC4A1: PM5, BP4